The following is an entry in ClinVar:

NM_001142800.2(EYS):c.5426C>A (p.Ser1809Tyr)

Gene: EYS (EGF-like photoreceptor maintenance factor; minus strand). Cytogenetic location: 6q12.
Variant type: single nucleotide variant.
Coding change: c.5426C>A on transcript NM_001142800.2 (MANE Select); coding-DNA position 5426, C replaced by A.
Protein change: p.Ser1809Tyr; replaces serine 1809 with tyrosine.
Molecular consequence: missense variant.
Genome position (GRCh38, 1-based): chr6:64,590,441, G>T on the plus strand (C>A on the coding strand, the complement: EYS is on the minus strand). VCF-style: chr6-64590441-G-T. GRCh37 (hg19) VCF-style: chr6-65300334-G-T.
Other names: c.5426C>A, p.Ser1809Tyr (NM_001292009.2); short protein forms S1809Y.
Identifiers: ClinVar variation 1397149 (VCV001397149.4), dbSNP rs1333472588, ClinGen allele CA364781138.
Genomic context (GRCh38, chr6:64,590,441, plus strand): 5'-TTTTTAAGAGAGGTCATATAATCTGTAAAATATGGCCAATCTGGCCTAATTACAGACATG[G>T]AGGAAGACGTCTGTATTGAAAGTGCTGGAGTTGCTGAAACTGTATAAAATGCAACATTGG-3'
Protein context (NP_001136272.1, residues 1799-1819): TPALSIQTSS[Ser1809Tyr]MSVIRPDWPY

ClinVar aggregate classification (germline): Uncertain significance. Review status: criteria provided, multiple submitters, no conflicts (2 of 4 stars). 2 submissions from 2 submitters: Uncertain significance (2). Last evaluated 2021-10-29.

Allele frequency attached by ClinVar (database versions not stated): gnomAD exomes 0.00002; TOPMed 0.00003; gnomAD 0.00004.
gnomAD v4.1: 36 of 1,551,042 alleles (0.0023%); highest among the groups gnomAD compares: Non-Finnish European, 0.0031%; no homozygotes.

Submissions (2):

Labcorp Genetics (formerly Invitae), Labcorp
Classification: Uncertain significance. Last evaluated: 2021-10-29. Review status: criteria provided, single submitter. Criteria: Invitae Variant Classification Sherloc (09022015). Collection method: clinical testing. Allele origin: germline.
Comment: This sequence change replaces serine, which is neutral and polar, with tyrosine, which is neutral and polar, at codon 1809 of the EYS protein (p.Ser1809Tyr). This variant is not present in population databases (gnomAD no frequency). This variant has not been reported in the literature in individuals affected with EYS-related conditions. Algorithms developed to predict the effect of missense changes on protein structure and function (SIFT, PolyPhen-2, Align-GVGD) all suggest that this variant is likely to be tolerated. In summary, the available evidence is currently insufficient to determine the role of this variant in disease. Therefore, it has been classified as a Variant of Uncertain Significance.

Blueprint Genetics
Classification: Uncertain significance. Last evaluated: 2021-10-15. Review status: criteria provided, single submitter. Criteria: ACMG Guidelines, 2015. Collection method: clinical testing. Allele origin: germline.